The following is an entry in ClinVar:

NM_001165963.4(SCN1A):c.4439G>T (p.Gly1480Val)

Genes: SCN1A (sodium voltage-gated channel alpha subunit 1; minus strand), LOC102724058 (uncharacterized LOC102724058; plus strand). Cytogenetic location: 2q24.3.
Variant type: single nucleotide variant.
Coding change: c.4439G>T on transcript NM_001165963.4 (MANE Select); coding-DNA position 4439, G replaced by T.
Protein change: p.Gly1480Val; replaces glycine 1480 with valine.
Molecular consequence: missense variant. On other transcripts: non-coding transcript variant (1).
Genome position (GRCh38, 1-based): chr2:165,998,075, C>A on the plus strand (G>T on the coding strand, the complement: SCN1A is on the minus strand). VCF-style: chr2-165998075-C-A. GRCh37 (hg19) VCF-style: chr2-166854585-C-A.
Other names: c.4355G>T, p.Gly1452Val (NM_001165964.3, NM_001353957.2, NM_001353958.2); c.4439G>T, p.Gly1480Val (NM_001202435.3, NM_001353948.2); c.4406G>T, p.Gly1469Val (NM_001353949.2, NM_001353950.2, NM_001353951.2 and 2 more transcripts); c.4403G>T, p.Gly1468Val (NM_001353954.2, NM_001353955.2); c.4352G>T, p.Gly1451Val (NM_001353960.2); c.1997G>T, p.Gly666Val (NM_001353961.2); short protein forms G1469V, G1480V, G1451V, G1452V, G1468V, G666V.
Identifiers: ClinVar variation 68549 (VCV000068549.5), dbSNP rs121917996, ClinGen allele CA145243.

ClinVar aggregate classification (germline): Pathogenic. Review status: criteria provided, multiple submitters, no conflicts (2 of 4 stars). 3 submissions from 3 submitters: Pathogenic (2). 1 of the submissions does not count toward it. Last evaluated 2024-05-08.

Conditions:
SCN1A-related disorder. Also called: SCN1A-related conditions; SCN1A-related condition; SCN1A-related disorders.
Early-infantile DEE. Also called: Early infantile epileptic encephalopathy; Ohtahara syndrome; Early infantile epileptic encephalopathy with suppression bursts. Identifiers: Orphanet 1934, MedGen C0393706, MONDO:0800491.
Myoclonic encephalopathy. Identifiers: MedGen C0438414.

Submissions (3):

Blueprint Genetics
Classification: Pathogenic for SCN1A-related disorders. Last evaluated: 2024-05-08. Review status: criteria provided, single submitter. Criteria: ACMG Guidelines, 2015. Collection method: clinical testing. Allele origin: germline. Affected: yes. Observed: 1 variant allele.

Labcorp Genetics (formerly Invitae), Labcorp
Classification: Pathogenic for Early-infantile DEE. Last evaluated: 2023-01-29. Review status: criteria provided, single submitter. Criteria: Invitae Variant Classification Sherloc (09022015). Collection method: clinical testing. Allele origin: germline.
Comment: This sequence change replaces glycine, which is neutral and non-polar, with valine, which is neutral and non-polar, at codon 1480 of the SCN1A protein (p.Gly1480Val). This variant is not present in population databases (gnomAD no frequency). This missense change has been observed in individual(s) with clinical features of Dravet syndrome (PMID: 17347258, 35571373). In at least one individual the variant was observed to be de novo. ClinVar contains an entry for this variant (Variation ID: 68549). Advanced modeling of protein sequence and biophysical properties (such as structural, functional, and spatial information, amino acid conservation, physicochemical variation, residue mobility, and thermodynamic stability) performed at Invitae indicates that this missense variant is expected to disrupt SCN1A protein function. For these reasons, this variant has been classified as Pathogenic.

UniProtKB/Swiss-Prot
No classification provided. Review status: no classification provided. Collection method: not provided. Allele origin: unknown. Not counted in ClinVar's aggregate classification.

Literature cited by the submitters: PubMed 17347258 (cited by Labcorp Genetics (formerly Invitae), Labcorp); PubMed 35571373 (cited by Labcorp Genetics (formerly Invitae), Labcorp).